The following is an entry in ClinVar:

ClinVar aggregate classification (germline): Pathogenic (1 of 4 stars; one submission).

Conditions:
Anauxetic dysplasia. Identifiers: Orphanet 93347, MedGen C1846796, MONDO:0011773.

Submission:

Labcorp Genetics (formerly Invitae), Labcorp
Classification: Pathogenic for Anauxetic dysplasia. Last evaluated: 2025-03-30. Review status: criteria provided, single submitter. Criteria: Invitae Variant Classification Sherloc (09022015). Collection method: clinical testing. Allele origin: germline.
Comment: This variant occurs in the RMRP gene, which encodes an RNA molecule that does not result in a protein product. This variant is not present in population databases (gnomAD no frequency). While this particular variant has not been reported in the literature, it is located in the promoter region between the TATA box and the transcription initiation site, and other insertions and duplications immediately upstream of the coding sequence have been reported in individuals affected with cartilage-hair hypoplasia-anauxetic dysplasia (CHH-AD) spectrum disorders (PMID: 16244706, 11207361, 12107819). While functional studies for this variant have not been reported, experimental analyses using patient derived cells, as well as in vitro transfection studies, have shown that promoter insertions result in silencing of RMRP transcription and reduced expression of the gene product (PMID: 11207361, 16254002). For these reasons, this variant has been classified as Pathogenic.

Literature cited by the submitters: PubMed 16244706; PubMed 11207361; PubMed 12107819; PubMed 16254002.

NC_000009.12:g.35658034_35658040dup

Gene: RMRP (RNA component of mitochondrial RNA processing endoribonuclease; minus strand). Cytogenetic location: 9p13.3.
Variant type: Duplication.
Genome position: GRCh38 VCF-style: chr9-35658032-C-CACAGAGT. GRCh37 (hg19) VCF-style: chr9-35658029-C-CACAGAGT.
Identifiers: ClinVar variation 1433786 (VCV001433786.6), dbSNP rs1563908212, ClinGen allele CA2573144659.